The following is an entry in ClinVar:

ClinVar aggregate classification (germline): Uncertain significance (1 of 4 stars; one submission).

Conditions:
Autosomal recessive nonsyndromic hearing loss 36. Also called: Deafness, autosomal recessive 36; DEAFNESS, AUTOSOMAL RECESSIVE 36, WITH VESTIBULAR INVOLVEMENT. Identifiers: Orphanet 90636, MedGen C1837007, MONDO:0012170, OMIM 609006.
Usher syndrome, type 1M. Identifiers: MedGen C5231434, MONDO:0032841, OMIM 618632.

Allele frequency attached by ClinVar (database versions not stated): gnomAD exomes 0.00001.

Submission:

Labcorp Genetics (formerly Invitae), Labcorp
Classification: Uncertain significance. Last evaluated: 2021-10-27. Review status: criteria provided, single submitter. Criteria: Invitae Variant Classification Sherloc (09022015). Collection method: clinical testing. Allele origin: germline.
Comment: This variant has not been reported in the literature in individuals affected with ESPN-related conditions. This variant is not present in population databases (gnomAD no frequency). This sequence change affects the initiator methionine of the ESPN mRNA. The next in-frame methionine is located at codon 137. In summary, the available evidence is currently insufficient to determine the role of this variant in disease. Therefore, it has been classified as a Variant of Uncertain Significance.

NM_031475.3(ESPN):c.1A>C (p.Met1Leu)

Gene: ESPN (espin; plus strand). Cytogenetic location: 1p36.31.
Variant type: single nucleotide variant.
Coding change: c.1A>C on transcript NM_031475.3 (MANE Select); coding-DNA position 1, A replaced by C.
Protein change: p.Met1Leu; changes the start codon (methionine 1).
Molecular consequence: missense variant, initiator codon variant.
Genome position (GRCh38, 1-based): chr1:6,424,956, A>C. VCF-style: chr1-6424956-A-C. GRCh37 (hg19) VCF-style: chr1-6485016-A-C.
Other names: c.1A>C, p.Met1Leu (NM_001367473.1, NM_001367474.1); c.1A>C (NM_031475.2); short protein forms M1L.
Identifiers: ClinVar variation 1485690 (VCV001485690.7), dbSNP rs1642979681, ClinGen allele CA338082759.